The following is an entry in ClinVar:

ClinVar aggregate classification (germline): Benign/Likely benign. Review status: criteria provided, multiple submitters, no conflicts (2 of 4 stars). 11 submissions from 11 submitters: Benign (2); Likely benign (6). 3 of the submissions do not count toward it. Last evaluated 2026-02-02.

Conditions:
Autoinflammatory syndrome. Identifiers: Orphanet 93665, MedGen C3890737, MONDO:0019751.
Hermansky-Pudlak syndrome 2 (HPS2). Also called: Platelet defects and oculocutaneous albinism. Identifiers: Orphanet 183678, Orphanet 79430, MedGen C1842362, MONDO:0011997, OMIM 608233.

Allele frequency attached by ClinVar (database versions not stated): 1000 Genomes Project 30x 0.00078; 1000 Genomes Project 0.00100; TOPMed 0.00148; gnomAD 0.00191 and 0.00200; ESP Exome Variant Server 0.00200; gnomAD exomes 0.00213 and 0.00246; ExAC 0.00222.
gnomAD v4.1: 3,820 of 1,608,940 alleles (0.24%); highest among the groups gnomAD compares: Non-Finnish European, 0.28%; 9 homozygotes.

Submissions (11):

Labcorp Genetics (formerly Invitae), Labcorp
Classification: Benign for Hermansky-Pudlak syndrome 2. Last evaluated: 2026-02-02. Review status: criteria provided, single submitter. Criteria: Invitae Variant Classification Sherloc (09022015). Collection method: clinical testing. Allele origin: germline.

CeGaT Center for Human Genetics Tuebingen
Classification: Likely benign. Last evaluated: 2025-08-01. Review status: criteria provided, single submitter. Criteria: CeGaT Center For Human Genetics Tuebingen Variant Classification Criteria Version 2. Collection method: clinical testing. Allele origin: germline. Affected: yes. Observed: 4 variant alleles.
Comment: AP3B1: BP4, BP7

Mayo Clinic Laboratories, Mayo Clinic
Classification: Benign. Last evaluated: 2025-07-01. Review status: criteria provided, single submitter. Criteria: ACMG Guidelines, 2015. Collection method: clinical testing. Allele origin: germline. Observed: 7 variant alleles.
Comment: BS1, BS2, BP4, BP7

Blueprint Genetics
Classification: Likely benign. Last evaluated: 2024-11-22. Review status: criteria provided, single submitter. Criteria: ACMG Guidelines, 2015. Collection method: clinical testing. Allele origin: germline.

Genome Diagnostics Laboratory, The Hospital for Sick Children
Classification: Likely benign for Autoinflammatory syndrome. Last evaluated: 2020-07-01. Review status: criteria provided, single submitter. Criteria: ACMG Guidelines, 2015. Collection method: clinical testing. Allele origin: germline. Affected: yes.

Johns Hopkins Genomics, Johns Hopkins University
Classification: Likely benign for Hermansky-Pudlak syndrome 2. Last evaluated: 2019-03-20. Review status: criteria provided, single submitter. Criteria: ACMG Guidelines, 2015. Collection method: clinical testing. Allele origin: germline.

Illumina Laboratory Services, Illumina
Classification: Likely benign for Hermansky-Pudlak syndrome 2. Last evaluated: 2018-01-13. Review status: criteria provided, single submitter. Criteria: ICSL Variant Classification Criteria 13 December 2019. Collection method: clinical testing. Allele origin: germline.
Comment: This variant was observed in the ICSL laboratory as part of a predisposition screen in an ostensibly healthy population. It had not been previously curated by ICSL or reported in the Human Gene Mutation Database (HGMD: prior to June 1st, 2018), and was therefore a candidate for classification through an automated scoring system. Utilizing variant allele frequency, disease prevalence and penetrance estimates, and inheritance mode, an automated score was calculated to assess if this variant is too frequent to cause the disease. Based on the score and internal cut-off values, a variant classified as likely benign is not then subjected to further curation. The score for this variant resulted in a classification of likely benign for this disease.

Genetic Services Laboratory, University of Chicago
Classification: Likely benign. Last evaluated: 2016-05-09. Review status: criteria provided, single submitter. Criteria: ACMG Guidelines, 2015. Collection method: clinical testing. Allele origin: germline. Affected: no.

Clinical Genetics DNA and cytogenetics Diagnostics Lab, Erasmus MC, Erasmus Medical Center
Classification: Likely benign. Review status: no assertion criteria provided. Collection method: clinical testing. Allele origin: germline. Affected: yes. Study: VKGL Data-share Consensus. Not counted in ClinVar's aggregate classification.

Clinical Genetics, Academic Medical Center
Classification: Benign. Review status: no assertion criteria provided. Collection method: clinical testing. Allele origin: germline. Affected: yes. Study: VKGL Data-share Consensus. Not counted in ClinVar's aggregate classification.

Genome Diagnostics Laboratory, University Medical Center Utrecht
Classification: Benign. Review status: no assertion criteria provided. Collection method: clinical testing. Allele origin: germline. Affected: yes. Study: VKGL Data-share Consensus. Not counted in ClinVar's aggregate classification.

NM_003664.5(AP3B1):c.1857T>G (p.Leu619=)

Gene: AP3B1 (adaptor related protein complex 3 subunit beta 1; minus strand). Cytogenetic location: 5q14.1.
Variant type: single nucleotide variant.
Coding change: c.1857T>G on transcript NM_003664.5 (MANE Select); coding-DNA position 1857, T replaced by G.
Protein change: p.Leu619=; no amino-acid change (leucine 619 retained).
Molecular consequence: synonymous variant.
Genome position (GRCh38, 1-based): chr5:78,128,141, A>C on the plus strand (T>G on the coding strand, the complement: AP3B1 is on the minus strand). VCF-style: chr5-78128141-A-C. GRCh37 (hg19) VCF-style: chr5-77423965-A-C.
Other names: p.Leu619=; c.1710T>G, p.Leu570= (NM_001271769.2).
Identifiers: ClinVar variation 354235 (VCV000354235.57), dbSNP rs115892142, ClinGen allele CA3316935.
Genomic context (GRCh38, chr5:78,128,141, plus strand): 5'-CCAATTAGATAATTCCAGGTACCCAGTAGCTTTAATGTTGAGAGTATGAGATAAGGTGCC[A>C]AGCTGGAAATGATCTCTATCTATTAAAAATAGGGAAAAATATAAAATAAACAATATGAGC-3'
Protein context (NP_003655.3, residues 609-629): SPFKDRDHFQ[Leu619=]GTLSHTLNIK